The following is an entry in ClinVar:

NM_005430.4(WNT1):c.854C>T (p.Ser285Phe)

Gene: WNT1 (Wnt family member 1; plus strand). Cytogenetic location: 12q13.12.
Variant type: single nucleotide variant.
Coding change: c.854C>T on transcript NM_005430.4 (MANE Select); coding-DNA position 854, C replaced by T.
Protein change: p.Ser285Phe; replaces serine 285 with phenylalanine.
Molecular consequence: missense variant.
Genome position (GRCh38, 1-based): chr12:48,981,381, C>T. VCF-style: chr12-48981381-C-T. GRCh37 (hg19) VCF-style: chr12-49375164-C-T.
Other names: short protein forms S285F.
Identifiers: ClinVar variation 3687772 (VCV003687772.2).

ClinVar aggregate classification (germline): Uncertain significance (1 of 4 stars; one submission).

gnomAD v4.1: 1 of 1,575,412 alleles (0.000063%); highest among the groups gnomAD compares: Non-Finnish European, 0.000086%; no homozygotes.

Submission:

Labcorp Genetics (formerly Invitae), Labcorp
Classification: Uncertain significance. Last evaluated: 2024-07-01. Review status: criteria provided, single submitter. Criteria: Invitae Variant Classification Sherloc (09022015). Collection method: clinical testing. Allele origin: germline.
Comment: This sequence change replaces serine, which is neutral and polar, with phenylalanine, which is neutral and non-polar, at codon 285 of the WNT1 protein (p.Ser285Phe). This variant is not present in population databases (gnomAD no frequency). This variant has not been reported in the literature in individuals affected with WNT1-related conditions. Advanced modeling of protein sequence and biophysical properties (such as structural, functional, and spatial information, amino acid conservation, physicochemical variation, residue mobility, and thermodynamic stability) performed at Invitae indicates that this missense variant is not expected to disrupt WNT1 protein function with a negative predictive value of 80%. In summary, the available evidence is currently insufficient to determine the role of this variant in disease. Therefore, it has been classified as a Variant of Uncertain Significance.